The following is an entry in ClinVar:

ClinVar aggregate classification (germline): Uncertain significance (1 of 4 stars; one submission).

Conditions:
Autosomal recessive limb-girdle muscular dystrophy type 2J (LGMDR10). Also called: Limb-girdle muscular dystrophy, type 2J; MUSCULAR DYSTROPHY, LIMB-GIRDLE, AUTOSOMAL RECESSIVE 10. Identifiers: Orphanet 140922, MedGen C1837342, MONDO:0012127, OMIM 608807.
Dilated cardiomyopathy 1G (CMD1G). Identifiers: Orphanet 154, MedGen C1858763, MONDO:0011400, OMIM 604145.

Submission:

Labcorp Genetics (formerly Invitae), Labcorp
Classification: Uncertain significance for Dilated cardiomyopathy 1G; Autosomal recessive limb-girdle muscular dystrophy type 2J. Last evaluated: 2025-10-23. Review status: criteria provided, single submitter. Criteria: Invitae Variant Classification Sherloc (09022015). Collection method: clinical testing. Allele origin: germline.
Comment: This sequence change replaces leucine, which is neutral and non-polar, with proline, which is neutral and non-polar, at codon 34403 of the TTN protein (p.Leu34403Pro). This variant is not present in population databases (gnomAD no frequency). This variant has not been reported in the literature in individuals affected with TTN-related conditions. Experimental studies and prediction algorithms are not available or were not evaluated, and the functional significance of this variant is currently unknown. This variant is located in the M band of TTN (PMID: 25589632). Non-truncating variants in this region may be relevant for neuromuscular disorders, but have not been definitively shown to cause cardiomyopathy (PMID: 23975875). In summary, the available evidence is currently insufficient to determine the role of this variant in disease. Therefore, it has been classified as a Variant of Uncertain Significance.

Literature cited by the submitters: PubMed 25589632; PubMed 23975875.

NM_001267550.2(TTN):c.103208T>C (p.Leu34403Pro)

Genes: TTN (titin; minus strand), TTN-AS1 (TTN antisense RNA 1; plus strand). Cytogenetic location: 2q31.2.
Variant type: single nucleotide variant.
Coding change: c.103208T>C on transcript NM_001267550.2 (MANE Select); coding-DNA position 103208, T replaced by C.
Protein change: p.Leu34403Pro; replaces leucine 34403 with proline.
Molecular consequence: missense variant.
Genome position (GRCh38, 1-based): chr2:178,533,407, A>G on the plus strand (T>C on the coding strand, the complement: TTN is on the minus strand). VCF-style: chr2-178533407-A-G. GRCh37 (hg19) VCF-style: chr2-179398134-A-G.
Other names: c.98285T>C, p.Leu32762Pro (NM_001256850.1); c.76013T>C, p.Leu25338Pro (NM_003319.4); c.95504T>C, p.Leu31835Pro (NM_133378.4); c.76388T>C, p.Leu25463Pro (NM_133432.3); c.76589T>C, p.Leu25530Pro (NM_133437.4); short protein forms L25530P, L34403P, L31835P, L25338P, L25463P, L32762P.
Identifiers: ClinVar variation 4786508 (VCV004786508.1).